The following is an entry in ClinVar:

ClinVar aggregate classification (germline): Uncertain significance (1 of 4 stars; one submission).

Submission:

GeneDx
Classification: Uncertain significance. Last evaluated: 2023-03-23. Review status: criteria provided, single submitter. Criteria: GeneDx Variant Classification Process June 2021. Collection method: clinical testing. Allele origin: germline. Affected: yes.
Comment: Not observed at significant frequency in large population cohorts (gnomAD); In silico analysis supports that this missense variant does not alter protein structure/function; Has not been previously published as pathogenic or benign to our knowledge

NM_015001.3(SPEN):c.4420T>G (p.Phe1474Val)

Gene: SPEN (spen family transcriptional repressor; plus strand). Cytogenetic location: 1p36.13.
Variant type: single nucleotide variant.
Coding change: c.4420T>G on transcript NM_015001.3 (MANE Select); coding-DNA position 4420, T replaced by G.
Protein change: p.Phe1474Val; replaces phenylalanine 1474 with valine.
Molecular consequence: missense variant.
Genome position (GRCh38, 1-based): chr1:15,930,660, T>G. VCF-style: chr1-15930660-T-G. GRCh37 (hg19) VCF-style: chr1-16257155-T-G.
Other names: short protein forms F1474V.
Identifiers: ClinVar variation 2580708 (VCV002580708.1), dbSNP rs2071211847, ClinGen allele CA338614346.
Genomic context (GRCh38, chr1:15,930,660, plus strand): 5'-CTCTCTTCATCTCGTGAAGAAAATTGGTCTTTTCTTGATTGGGACTCCCGATTTGCAAAT[T>G]TTCGAAACAACAAAGATAAAGAAAAGGTTGACTCTGCTCCAAGACCTATTCCATCCTGGT-3'
Protein context (NP_055816.2, residues 1464-1484): FLDWDSRFAN[Phe1474Val]RNNKDKEKVD